The following is an entry in ClinVar:

ClinVar aggregate classification (germline): Likely benign. Review status: criteria provided, multiple submitters, no conflicts (2 of 4 stars). 3 submissions from 3 submitters: Likely benign (3). Last evaluated 2026-06-06.

Conditions:
Inborn genetic diseases. Identifiers: MedGen C0950123, MeSH D030342.
Mucopolysaccharidosis type 1. Also called: IDUA deficiency; MPS I; Mucopolysaccharidosis Type I. Identifiers: Orphanet 579, MedGen C0023786, MONDO:0001586.
IDUA-related disorder. Also called: IDUA-related condition.

Allele frequency attached by ClinVar (database versions not stated): gnomAD exomes below 0.00001; TOPMed 0.00002.
gnomAD v4.1: 1 of 1,597,184 alleles (0.000063%); highest among the groups gnomAD compares: Admixed American, 0.0018%; no homozygotes.

Submissions (3):

PreventionGenetics, part of Exact Sciences
Classification: Likely benign for IDUA-related condition. Last evaluated: 2026-06-06. Review status: criteria provided, single submitter. Criteria: ACMG Guidelines, 2015. Collection method: clinical testing. Allele origin: germline.
Comment: This variant is classified as likely benign based on ACMG/AMP sequence variant interpretation guidelines (Richards et al. 2015 PMID: 25741868, with internal and published modifications).

Labcorp Genetics (formerly Invitae), Labcorp
Classification: Likely benign for Mucopolysaccharidosis type 1. Last evaluated: 2024-11-24. Review status: criteria provided, single submitter. Criteria: Invitae Variant Classification Sherloc (09022015). Collection method: clinical testing. Allele origin: germline.

Ambry Genetics
Classification: Likely benign for Inborn genetic diseases. Last evaluated: 2020-01-26. Review status: criteria provided, single submitter. Criteria: Ambry Variant Classification Scheme 2023. Collection method: clinical testing. Allele origin: germline.

NM_000203.5(IDUA):c.864C>T (p.Pro288=)

Gene: IDUA (alpha-L-iduronidase; plus strand). Cytogenetic location: 4p16.3.
Variant type: single nucleotide variant.
Coding change: c.864C>T on transcript NM_000203.5 (MANE Select); coding-DNA position 864, C replaced by T.
Protein change: p.Pro288=; no amino-acid change (proline 288 retained).
Molecular consequence: synonymous variant. On other transcripts: non-coding transcript variant (1).
Genome position (GRCh38, 1-based): chr4:1,002,053, C>T. VCF-style: chr4-1002053-C-T. GRCh37 (hg19) VCF-style: chr4-995841-C-T.
Other names: c.468C>T, p.Pro156= (NM_001363576.1); c.864C>T (NM_000203.4).
Identifiers: ClinVar variation 1627112 (VCV001627112.13), dbSNP rs1440415618, ClinGen allele CA438057484.